The following is an entry in ClinVar:

ClinVar aggregate classification (germline): Uncertain significance. Review status: criteria provided, single submitter (1 of 4 stars). 2 submissions from 2 submitters: Uncertain significance (1). 1 of the submissions does not count toward it. Last evaluated 2022-11-01.

Conditions:
Neuronal ceroid lipofuscinosis. Also called: Neuronal Ceroid Lipofuscinoses. Identifiers: Orphanet 216, Orphanet 79263, MedGen C0027877, MONDO:0016295. Disease mechanism: loss of function.

Allele frequency attached by ClinVar (database versions not stated): TOPMed below 0.00001; ExAC 0.00001; gnomAD exomes 0.00002 and 0.00003.

Submissions (2):

Labcorp Genetics (formerly Invitae), Labcorp
Classification: Uncertain significance for Neuronal ceroid lipofuscinosis. Last evaluated: 2022-11-01. Review status: criteria provided, single submitter. Criteria: Invitae Variant Classification Sherloc (09022015). Collection method: clinical testing. Allele origin: germline.
Comment: This sequence change replaces threonine, which is neutral and polar, with isoleucine, which is neutral and non-polar, at codon 45 of the CLN5 protein (p.Thr45Ile). This variant is present in population databases (rs768714949, gnomAD 0.009%). This variant has not been reported in the literature in individuals affected with CLN5-related conditions. ClinVar contains an entry for this variant (Variation ID: 205140). Algorithms developed to predict the effect of missense changes on protein structure and function are either unavailable or do not agree on the potential impact of this missense change (SIFT: "Deleterious"; PolyPhen-2: "Possibly Damaging"; Align-GVGD: "Class C0"). In summary, the available evidence is currently insufficient to determine the role of this variant in disease. Therefore, it has been classified as a Variant of Uncertain Significance.

Natera, Inc.
Classification: Uncertain significance for Neuronal ceroid lipofuscinosis. Last evaluated: 2020-10-07. Review status: no assertion criteria provided. Collection method: clinical testing. Allele origin: germline. Not counted in ClinVar's aggregate classification.

NM_006493.4(CLN5):c.-14C>T

Gene: CLN5 (CLN5 lysosomal BMP synthase; plus strand). Cytogenetic location: 13q22.3.
Variant type: single nucleotide variant.
Coding change: c.-14C>T on transcript NM_006493.4 (MANE Select); 14 bases upstream of the start codon, C replaced by T.
Molecular consequence: 5 prime UTR variant.
Genome position (GRCh38, 1-based): chr13:76,992,085, C>T. VCF-style: chr13-76992085-C-T. GRCh37 (hg19) VCF-style: chr13-77566220-C-T.
Other names: c.134C>T (LRG_692t1); c.-14C>T (NM_001366624.2).
Identifiers: ClinVar variation 205140 (VCV000205140.7), dbSNP rs768714949, ClinGen allele CA313906.